The following is an entry in ClinVar:

ClinVar aggregate classification (germline): Likely benign. Review status: criteria provided, multiple submitters, no conflicts (2 of 4 stars). 3 submissions from 3 submitters: Likely benign (2). 1 of the submissions does not count toward it. Last evaluated 2025-12-05.

Conditions:
KCNQ5-related disorder. Also called: KCNQ5-related condition.

Allele frequency attached by ClinVar (database versions not stated): gnomAD 0.00001; gnomAD exomes 0.00001 and 0.00003; ExAC 0.00002; TOPMed 0.00003; ESP Exome Variant Server 0.00008.
gnomAD v4.1: 12 of 1,614,096 alleles (0.00074%); highest among the groups gnomAD compares: Admixed American, 0.0067%; no homozygotes.

Submissions (3):

Labcorp Genetics (formerly Invitae), Labcorp
Classification: Likely benign. Last evaluated: 2025-12-05. Review status: criteria provided, single submitter. Criteria: Invitae Variant Classification Sherloc (09022015). Collection method: clinical testing. Allele origin: germline.

Blueprint Genetics
Classification: Likely benign. Last evaluated: 2022-09-28. Review status: criteria provided, single submitter. Criteria: ACMG Guidelines, 2015. Collection method: clinical testing. Allele origin: germline.

PreventionGenetics, part of Exact Sciences
Classification: Likely benign for KCNQ5-related condition. Last evaluated: 2019-03-01. Review status: no assertion criteria provided. Collection method: clinical testing. Allele origin: germline. Not counted in ClinVar's aggregate classification.
Comment: This variant is classified as likely benign based on ACMG/AMP sequence variant interpretation guidelines (Richards et al. 2015 PMID: 25741868, with internal and published modifications).

NM_019842.4(KCNQ5):c.1446T>C (p.Ser482=)

Gene: KCNQ5 (potassium voltage-gated channel subfamily Q member 5; plus strand). Cytogenetic location: 6q13.
Variant type: single nucleotide variant.
Coding change: c.1446T>C on transcript NM_019842.4 (MANE Select); coding-DNA position 1446, T replaced by C.
Protein change: p.Ser482=; no amino-acid change (serine 482 retained).
Molecular consequence: synonymous variant. On other transcripts: intron variant (1).
Genome position (GRCh38, 1-based): chr6:73,133,619, T>C. VCF-style: chr6-73133619-T-C. GRCh37 (hg19) VCF-style: chr6-73843342-T-C.
Other names: c.1419T>C, p.Ser473= (NM_001160130.2); c.1476T>C, p.Ser492= (NM_001160132.2); c.1503T>C, p.Ser501= (NM_001160133.2); c.1247+9107T>C (NM_001160134.2); c.1503T>C (NM_001160133.1).
Identifiers: ClinVar variation 1577396 (VCV001577396.12), dbSNP rs146335187, ClinGen allele CA3887047.